The following is an entry in ClinVar:

ClinVar aggregate classification (germline): Pathogenic. Review status: reviewed by expert panel (3 of 4 stars). 3 submissions from 3 submitters: Pathogenic (1). 2 of the submissions do not count toward it. Last evaluated 2017-12-15.

Conditions:
Hereditary cancer-predisposing syndrome. Also called: Tumor predisposition; Neoplastic Syndromes, Hereditary; Hereditary Cancer Syndrome; Hereditary neoplastic syndrome. Identifiers: Orphanet 140162, MedGen C0027672, MeSH D009386, MONDO:0015356.
Hereditary breast ovarian cancer syndrome. Also called: Hereditary breast and ovarian cancer syndrome (HBOC); Hereditary breast and ovarian cancer syndrome; Hereditary breast and ovarian cancer; Hereditary breast and/or ovarian cancer syndrome; Breast and ovarian cancer; BRCA1- and BRCA2-Associated Hereditary Breast and Ovarian Cancer. Identifiers: Orphanet 145, MedGen C0677776, MeSH D061325, MONDO:0003582. Disease mechanism: loss of function.
Breast-ovarian cancer, familial, susceptibility to, 1 (BROVCA1). Also called: OVARIAN CANCER, SUSCEPTIBILITY TO; BRCA1 Hereditary Breast and Ovarian Cancer. Identifiers: Orphanet 145, MedGen C2676676, MONDO:0011450, OMIM 604370. Disease mechanism: loss of function.

Submissions (3):

Evidence-based Network for the Interpretation of Germline Mutant Alleles (ENIGMA)
Classification: Pathogenic for Breast-ovarian cancer, familial, susceptibility to, 1. Last evaluated: 2017-12-15. Review status: reviewed by expert panel. Criteria: ENIGMA BRCA1/2 Classification Criteria (2017-06-29). Collection method: curation. Allele origin: germline. Study: ENIGMA.
Comment: Variant allele predicted to encode a truncated non-functional protein.

Labcorp Genetics (formerly Invitae), Labcorp
Classification: Pathogenic for Hereditary breast ovarian cancer syndrome. Last evaluated: 2024-04-01. Review status: criteria provided, single submitter. Criteria: Invitae Variant Classification Sherloc (09022015). Collection method: clinical testing. Allele origin: germline. Not counted in ClinVar's aggregate classification.
Comment: This sequence change creates a premature translational stop signal (p.Glu732Argfs*3) in the BRCA1 gene. It is expected to result in an absent or disrupted protein product. Loss-of-function variants in BRCA1 are known to be pathogenic (PMID: 20104584). This variant is not present in population databases (gnomAD no frequency). This premature translational stop signal has been observed in individual(s) with breast and/or ovarian cancer (PMID: 8595420, 18489799). This variant is also known as 2311del4 or 2312del4. ClinVar contains an entry for this variant (Variation ID: 54491). For these reasons, this variant has been classified as Pathogenic.

Ambry Genetics
Classification: Pathogenic for Hereditary cancer-predisposing syndrome. Last evaluated: 2024-03-18. Review status: criteria provided, single submitter. Criteria: Ambry Variant Classification Scheme 2023. Collection method: clinical testing. Allele origin: germline. Not counted in ClinVar's aggregate classification.
Comment: The c.2193_2196delAGAA pathogenic mutation, located in coding exon 9 of the BRCA1 gene, results from a deletion of 4 nucleotides at nucleotide positions 2193 to 2196, causing a translational frameshift with a predicted alternate stop codon (p.E732Rfs*3). This variant is considered to be rare based on population cohorts in the Genome Aggregation Database (gnomAD). In addition to the clinical data presented in the literature, this alteration is expected to result in loss of function by premature protein truncation or nonsense-mediated mRNA decay. As such, this alteration is interpreted as a disease-causing mutation.

Literature cited by the submitters: PubMed 20104584 (cited by Labcorp Genetics (formerly Invitae), Labcorp); PubMed 8595420 (cited by Labcorp Genetics (formerly Invitae), Labcorp and Ambry Genetics); PubMed 18489799 (cited by Labcorp Genetics (formerly Invitae), Labcorp).

NM_007294.4(BRCA1):c.2193_2196del (p.Glu732fs)

Gene: BRCA1 (BRCA1 DNA repair associated; minus strand). Cytogenetic location: 17q21.31.
Variant type: Deletion.
Coding change: c.2193_2196del on transcript NM_007294.4 (MANE Select); coding-DNA positions 2193 to 2196, 4 bases deleted (AGAA; older notation c.2193_2196delAGAA).
Protein change: p.Glu732fs; shifts the reading frame from glutamic acid 732.
Molecular consequence: frameshift variant. On other transcripts: intron variant (137).
Genome position (GRCh38, 1-based): chr17:43,093,335-43,093,338, TTCT deleted on the plus strand (AGAA on the coding strand, the reverse complement: BRCA1 is on the minus strand); deleting any 4 consecutive bases within chr17:43,093,335-43,093,340 gives the same sequence; the c. name uses the placement nearest the transcript's 3' end. VCF-style (leftmost placement, unchanged base first): chr17-43093334-CTTCT-C. GRCh37 (hg19) VCF-style: chr17-41245351-CTTCT-C.
Other names: c.2193_2196delAGAA (NM_007294.3); c.1980_1983del, p.Glu661fs (NM_001407571.1, NM_001407853.1, NM_001407894.1 and 9 more transcripts); c.2193_2196del, p.Glu732fs (NM_001407581.1, NM_001407582.1, NM_001407583.1 and 30 more transcripts); c.2190_2193del, p.Glu731fs (NM_001407587.1, NM_001407590.1, NM_001407591.1 and 22 more transcripts); c.2184_2187del, p.Glu729fs (NM_001407646.1, NM_001407647.1); c.2070_2073del, p.Glu691fs (NM_001407648.1, NM_001407664.1, NM_001407665.1 and 19 more transcripts); c.2067_2070del, p.Glu690fs (NM_001407649.1, NM_001407670.1, NM_001407671.1 and 11 more transcripts); c.2115_2118del, p.Glu706fs (NM_001407653.1, NM_001407654.1, NM_001407655.1 and 4 more transcripts); and 43 more; short protein forms E732fs, E685fs, E621fs, E643fs, E661fs, E664fs, E691fs, E662fs.
Identifiers: ClinVar variation 54491 (VCV000054491.17), dbSNP rs397508947, ClinGen allele CA001464.